The following is an entry in ClinVar:

ClinVar aggregate classification (germline): Uncertain significance. Review status: criteria provided, multiple submitters, no conflicts (2 of 4 stars). 3 submissions from 3 submitters: Uncertain significance (3). Last evaluated 2025-08-03.

Conditions:
Inborn genetic diseases. Identifiers: MedGen C0950123, MeSH D030342.

Allele frequency attached by ClinVar (database versions not stated): ESP Exome Variant Server 0.00054; 1000 Genomes Project 0.00060; gnomAD exomes 0.00002 and 0.00007; ExAC 0.00012; gnomAD 0.00028; TOPMed 0.00028.
gnomAD v4.1: 70 of 1,614,142 alleles (0.0043%); highest among the groups gnomAD compares: African/African-American, 0.093%; no homozygotes.

Submissions (3):

Ambry Genetics
Classification: Uncertain significance for Inborn genetic diseases. Last evaluated: 2025-08-03. Review status: criteria provided, single submitter. Criteria: Ambry Variant Classification Scheme 2023. Collection method: clinical testing. Allele origin: germline.

Labcorp Genetics (formerly Invitae), Labcorp
Classification: Uncertain significance. Last evaluated: 2024-01-08. Review status: criteria provided, single submitter. Criteria: Invitae Variant Classification Sherloc (09022015). Collection method: clinical testing. Allele origin: germline.
Comment: This sequence change replaces aspartic acid, which is acidic and polar, with alanine, which is neutral and non-polar, at codon 301 of the CYP4V2 protein (p.Asp301Ala). This variant is present in population databases (rs140344168, gnomAD 0.09%). This variant has not been reported in the literature in individuals affected with CYP4V2-related conditions. ClinVar contains an entry for this variant (Variation ID: 954308). Advanced modeling of protein sequence and biophysical properties (such as structural, functional, and spatial information, amino acid conservation, physicochemical variation, residue mobility, and thermodynamic stability) performed at Invitae indicates that this missense variant is not expected to disrupt CYP4V2 protein function with a negative predictive value of 80%. In summary, the available evidence is currently insufficient to determine the role of this variant in disease. Therefore, it has been classified as a Variant of Uncertain Significance.

Blueprint Genetics
Classification: Uncertain significance. Last evaluated: 2022-09-05. Review status: criteria provided, single submitter. Criteria: ACMG Guidelines, 2015. Collection method: clinical testing. Allele origin: germline.

NM_207352.4(CYP4V2):c.902A>C (p.Asp301Ala)

Gene: CYP4V2 (cytochrome P450 family 4 subfamily V member 2; plus strand). Cytogenetic location: 4q35.2.
Variant type: single nucleotide variant.
Coding change: c.902A>C on transcript NM_207352.4 (MANE Select); coding-DNA position 902, A replaced by C.
Protein change: p.Asp301Ala; replaces aspartic acid 301 with alanine.
Molecular consequence: missense variant.
Genome position (GRCh38, 1-based): chr4:186,201,257, A>C. VCF-style: chr4-186201257-A-C. GRCh37 (hg19) VCF-style: chr4-187122411-A-C.
Other names: short protein forms D301A.
Identifiers: ClinVar variation 954308 (VCV000954308.7), dbSNP rs140344168, ClinGen allele CA3162688.